The following is an entry in ClinVar:

ClinVar aggregate classification (germline): Uncertain significance (1 of 4 stars; one submission).

Conditions:
Fanconi anemia (FA). Also called: Fanconi's anemia. Identifiers: Orphanet 84, MedGen C0015625, MeSH D005199, MONDO:0019391.

Submission:

Labcorp Genetics (formerly Invitae), Labcorp
Classification: Uncertain significance for Fanconi anemia. Last evaluated: 2021-06-06. Review status: criteria provided, single submitter. Criteria: Invitae Variant Classification Sherloc (09022015). Collection method: clinical testing. Allele origin: germline.
Comment: In summary, the available evidence is currently insufficient to determine the role of this variant in disease. Therefore, it has been classified as a Variant of Uncertain Significance. This sequence change replaces cysteine with serine at codon 125 of the FANCA protein (p.Cys125Ser). The cysteine residue is moderately conserved and there is a moderate physicochemical difference between cysteine and serine. This variant is not present in population databases (ExAC no frequency). This variant has not been reported in the literature in individuals with FANCA-related conditions. Algorithms developed to predict the effect of missense changes on protein structure and function (SIFT, PolyPhen-2, Align-GVGD) all suggest that this variant is likely to be tolerated, but these predictions have not been confirmed by published functional studies and their clinical significance is uncertain.

NM_000135.4(FANCA):c.374G>C (p.Cys125Ser)

Gene: FANCA (FA complementation group A; minus strand). Cytogenetic location: 16q24.3.
Variant type: single nucleotide variant.
Coding change: c.374G>C on transcript NM_000135.4 (MANE Select); coding-DNA position 374, G replaced by C.
Protein change: p.Cys125Ser; replaces cysteine 125 with serine.
Molecular consequence: missense variant.
Genome position (GRCh38, 1-based): chr16:89,810,981, C>G on the plus strand (G>C on the coding strand, the complement: FANCA is on the minus strand). VCF-style: chr16-89810981-C-G. GRCh37 (hg19) VCF-style: chr16-89877389-C-G.
Other names: c.374G>C, p.Cys125Ser (NM_001018112.3, NM_001286167.3, NM_001351830.2); short protein forms C125S.
Identifiers: ClinVar variation 1369364 (VCV001369364.8), dbSNP rs761165542, ClinGen allele CA397480951.